The following is an entry in ClinVar:

ClinVar aggregate classification (germline): Likely benign. Review status: criteria provided, multiple submitters, no conflicts (2 of 4 stars). 2 submissions from 2 submitters: Likely benign (2). Last evaluated 2025-11-25.

Conditions:
Joubert syndrome. Also called: JOUBERT-BOLTSHAUSER SYNDROME; Familial aplasia of the vermis. Identifiers: Orphanet 475, MedGen C5979921, MONDO:0018772.
Meckel-Gruber syndrome. Also called: Dysencephalia splachnocystica; DYSENCEPHALIA SPLANCHNOCYSTICA; GRUBER SYNDROME. Identifiers: Orphanet 564, MedGen C0265215, MONDO:0018921.

Allele frequency attached by ClinVar (database versions not stated): TOPMed 0.00002; 1000 Genomes Project 30x 0.00016; 1000 Genomes Project 0.00020.
gnomAD v4.1: 23 of 1,612,776 alleles (0.0014%); highest among the groups gnomAD compares: Admixed American, 0.028%; no homozygotes.

Submissions (2):

Labcorp Genetics (formerly Invitae), Labcorp
Classification: Likely benign for Joubert syndrome; Meckel-Gruber syndrome. Last evaluated: 2025-11-25. Review status: criteria provided, single submitter. Criteria: Invitae Variant Classification Sherloc (09022015). Collection method: clinical testing. Allele origin: germline.

CeGaT Center for Human Genetics Tuebingen
Classification: Likely benign. Last evaluated: 2025-09-01. Review status: criteria provided, single submitter. Criteria: CeGaT Center For Human Genetics Tuebingen Variant Classification Criteria Version 2. Collection method: clinical testing. Allele origin: germline. Affected: yes. Observed: 1 variant allele.
Comment: TCTN2: BP4, BP7

NM_024809.5(TCTN2):c.1722C>T (p.Gly574=)

Gene: TCTN2 (tectonic family member 2; plus strand). Cytogenetic location: 12q24.31.
Variant type: single nucleotide variant.
Coding change: c.1722C>T on transcript NM_024809.5 (MANE Select); coding-DNA position 1722, C replaced by T.
Protein change: p.Gly574=; no amino-acid change (glycine 574 retained).
Molecular consequence: synonymous variant.
Genome position (GRCh38, 1-based): chr12:123,704,641, C>T. VCF-style: chr12-123704641-C-T. GRCh37 (hg19) VCF-style: chr12-124189188-C-T.
Other names: c.1719C>T, p.Gly573= (NM_001143850.3).
Identifiers: ClinVar variation 1412620 (VCV001412620.15), dbSNP rs557018110, ClinGen allele CA6861315.